The following is an entry in ClinVar:

NM_002354.3(EPCAM):c.602A>G (p.Gln201Arg)

Gene: EPCAM (epithelial cell adhesion molecule; plus strand). Cytogenetic location: 2p21.
Variant type: single nucleotide variant.
Coding change: c.602A>G on transcript NM_002354.3 (MANE Select); coding-DNA position 602, A replaced by G.
Protein change: p.Gln201Arg; replaces glutamine 201 with arginine.
Molecular consequence: missense variant.
Genome position (GRCh38, 1-based): chr2:47,378,999, A>G. VCF-style: chr2-47378999-A-G. GRCh37 (hg19) VCF-style: chr2-47606138-A-G.
Other names: short protein forms Q201R.
Identifiers: ClinVar variation 1751164 (VCV001751164.3), dbSNP rs2465471009, ClinGen allele CA346724184.

ClinVar aggregate classification (germline): Uncertain significance (1 of 4 stars; one submission).

Conditions:
Hereditary cancer-predisposing syndrome. Also called: Hereditary Cancer Syndrome; Hereditary neoplastic syndrome; Neoplastic Syndromes, Hereditary; Tumor predisposition. Identifiers: Orphanet 140162, MedGen C0027672, MeSH D009386, MONDO:0015356.

Allele frequency attached by ClinVar (database versions not stated): gnomAD exomes below 0.00001.

Submission:

Ambry Genetics
Classification: Uncertain significance for Hereditary cancer-predisposing syndrome. Last evaluated: 2024-08-28. Review status: criteria provided, single submitter. Criteria: Ambry Variant Classification Scheme 2023. Collection method: clinical testing. Allele origin: germline.
Comment: The p.Q201R variant (also known as c.602A>G), located in coding exon 6 of the EPCAM gene, results from an A to G substitution at nucleotide position 602. The glutamine at codon 201 is replaced by arginine, an amino acid with highly similar properties. This amino acid position is conserved. In addition, this alteration is predicted to be tolerated by in silico analysis. Since supporting evidence is limited at this time, the clinical significance of this alteration remains unclear.